The following is an entry in ClinVar:

Conditions:
Breast-ovarian cancer, familial, susceptibility to, 1 (BROVCA1). Also called: BRCA1 Hereditary Breast and Ovarian Cancer; OVARIAN CANCER, SUSCEPTIBILITY TO. Identifiers: Orphanet 145, MedGen C2676676, MONDO:0011450, OMIM 604370. Disease mechanism: loss of function.

Submission:

Brotman Baty Institute, University of Washington
No classification provided (evidence only). Condition: Breast-ovarian cancer, familial 1. Review status: no classification provided. Collection method: in vitro. Allele origin: not applicable. Functional consequence: functionally_normal.
ClinVar note: "not provided" was previously submitted as the classification for the variant. However, the classification appeared to be based only on an observation of functional data so it was converted to no classification on 2025-07-30.

NM_007294.4(BRCA1):c.4929A>G (p.Thr1643=)

Gene: BRCA1 (BRCA1 DNA repair associated; minus strand). Cytogenetic location: 17q21.31.
Variant type: single nucleotide variant.
Coding change: c.4929A>G on transcript NM_007294.4 (MANE Select); coding-DNA position 4929, A replaced by G.
Protein change: p.Thr1643=; no amino-acid change (threonine 1643 retained).
Molecular consequence: synonymous variant. On other transcripts: intron variant (1).
Genome position (GRCh38, 1-based): chr17:43,070,985, T>C on the plus strand (A>G on the coding strand, the complement: BRCA1 is on the minus strand). VCF-style: chr17-43070985-T-C. GRCh37 (hg19) VCF-style: chr17-41223002-T-C.
Other names: c.4716A>G, p.Thr1572= (NM_001407571.1, NM_001407894.1, NM_001407895.1 and 12 more transcripts); c.4995A>G, p.Thr1665= (NM_001407581.1, NM_001407582.1); c.4992A>G, p.Thr1664= (NM_001407583.1, NM_001407585.1, NM_001407587.1 and 1 more transcripts); c.4989A>G, p.Thr1663= (NM_001407590.1, NM_001407591.1); c.4929A>G, p.Thr1643= (NM_001407593.1, NM_001407594.1, NM_001407596.1 and 8 more transcripts); c.4926A>G, p.Thr1642= (NM_001407610.1, NM_001407611.1, NM_001407612.1 and 17 more transcripts); c.4923A>G, p.Thr1641= (NM_001407627.1, NM_001407628.1, NM_001407629.1 and 14 more transcripts); c.4920A>G, p.Thr1640= (NM_001407644.1, NM_001407645.1); and 71 more.
Identifiers: ClinVar variation 865430 (VCV000865430.3), dbSNP rs786202022, ClinGen allele CA500231639.